The following is an entry in ClinVar:

ClinVar aggregate classification (germline): Conflicting classifications of pathogenicity. Review status: criteria provided, conflicting classifications (1 of 4 stars). 2 submissions from 2 submitters: Uncertain significance (1); Likely benign (1). Last evaluated 2025-03-26.

Conditions:
Hereditary cancer-predisposing syndrome. Also called: Tumor predisposition; Hereditary Cancer Syndrome; Hereditary neoplastic syndrome; Neoplastic Syndromes, Hereditary. Identifiers: Orphanet 140162, MedGen C0027672, MeSH D009386, MONDO:0015356.
POLD1-related polyposis and colorectal cancer syndrome (CRCS10). Also called: Colorectal cancer 10; COLORECTAL CANCER, SUSCEPTIBILITY TO, ON CHROMOSOME 19q; Colorectal cancer, susceptibility to, 10. Identifiers: Orphanet 220460, MedGen C2675481, MONDO:0012953, OMIM 612591.

Allele frequency attached by ClinVar (database versions not stated): gnomAD 0.00001.
gnomAD v4.1: 1 of 1,613,352 alleles (0.000062%); highest among the groups gnomAD compares: African/African-American, 0.0013%; no homozygotes.

Submissions (2):

Ambry Genetics
Classification: Likely benign for Hereditary cancer-predisposing syndrome. Last evaluated: 2025-03-26. Review status: criteria provided, single submitter. Criteria: Ambry Variant Classification Scheme 2023. Collection method: clinical testing. Allele origin: germline.

Labcorp Genetics (formerly Invitae), Labcorp
Classification: Uncertain significance for POLD1-related polyposis and colorectal cancer syndrome. Last evaluated: 2024-05-13. Review status: criteria provided, single submitter. Criteria: Invitae Variant Classification Sherloc (09022015). Collection method: clinical testing. Allele origin: germline.
Comment: This sequence change replaces isoleucine, which is neutral and non-polar, with valine, which is neutral and non-polar, at codon 385 of the POLD1 protein (p.Ile385Val). This variant is present in population databases (no rsID available, gnomAD 0.01%). This variant has not been reported in the literature in individuals affected with POLD1-related conditions. ClinVar contains an entry for this variant (Variation ID: 847934). Advanced modeling of protein sequence and biophysical properties (such as structural, functional, and spatial information, amino acid conservation, physicochemical variation, residue mobility, and thermodynamic stability) performed at Invitae indicates that this missense variant is not expected to disrupt POLD1 protein function with a negative predictive value of 80%. In summary, the available evidence is currently insufficient to determine the role of this variant in disease. Therefore, it has been classified as a Variant of Uncertain Significance.

NM_002691.4(POLD1):c.1153A>G (p.Ile385Val)

Gene: POLD1 (DNA polymerase delta 1, catalytic subunit; plus strand). Cytogenetic location: 19q13.33.
Variant type: single nucleotide variant.
Coding change: c.1153A>G on transcript NM_002691.4 (MANE Select); coding-DNA position 1153, A replaced by G.
Protein change: p.Ile385Val; replaces isoleucine 385 with valine.
Molecular consequence: missense variant. On other transcripts: non-coding transcript variant (1).
Genome position (GRCh38, 1-based): chr19:50,403,508, A>G. VCF-style: chr19-50403508-A-G. GRCh37 (hg19) VCF-style: chr19-50906765-A-G.
Other names: c.1153A>G, p.Ile385Val (NM_001256849.1, NM_001308632.1); short protein forms I385V.
Identifiers: ClinVar variation 847934 (VCV000847934.13), dbSNP rs1210212980, ClinGen allele CA406978454.